The following is an entry in ClinVar:

ClinVar aggregate classification (germline): Pathogenic (1 of 4 stars; one submission).

Submission:

Labcorp Genetics (formerly Invitae), Labcorp
Classification: Pathogenic. Last evaluated: 2023-03-01. Review status: criteria provided, single submitter. Criteria: Invitae Variant Classification Sherloc (09022015). Collection method: clinical testing. Allele origin: germline.
Comment: This sequence change creates a premature translational stop signal (p.Leu202Trpfs*25) in the HPS6 gene. While this is not anticipated to result in nonsense mediated decay, it is expected to disrupt the last 574 amino acid(s) of the HPS6 protein. This variant is not present in population databases (gnomAD no frequency). This variant has not been reported in the literature in individuals affected with HPS6-related conditions. This variant disrupts a region of the HPS6 protein in which other variant(s) (p.Arg667*) have been determined to be pathogenic (PMID: 33878481). This suggests that this is a clinically significant region of the protein, and that variants that disrupt it are likely to be disease-causing. For these reasons, this variant has been classified as Pathogenic.

Literature cited by the submitters: PubMed 33878481.

NM_024747.6(HPS6):c.604del (p.Leu202fs)

Gene: HPS6 (HPS6 biogenesis of lysosomal organelles complex 2 subunit 3; plus strand). Cytogenetic location: 10q24.32.
Variant type: Deletion.
Coding change: c.604del on transcript NM_024747.6 (MANE Select); coding-DNA position 604, one base deleted (C; older notation c.604delC).
Protein change: p.Leu202fs; shifts the reading frame from leucine 202.
Molecular consequence: frameshift variant.
Genome position (GRCh38, 1-based): chr10:102,066,078, C deleted; the last of 2 consecutive C bases (chr10:102,066,077-102,066,078); deleting either gives the same sequence. VCF-style (leftmost placement, unchanged base first): chr10-102066076-TC-T. GRCh37 (hg19) VCF-style: chr10-103825833-TC-T.
Other names: short protein forms L202fs.
Identifiers: ClinVar variation 2841763 (VCV002841763.3), dbSNP rs2540986889, ClinGen allele CA2610647294.